The following is an entry in ClinVar:

NM_002485.5(NBN):c.68A>G (p.Glu23Gly)

Gene: NBN (nibrin; minus strand). Cytogenetic location: 8q21.3.
Variant type: single nucleotide variant.
Coding change: c.68A>G on transcript NM_002485.5 (MANE Select); coding-DNA position 68, A replaced by G.
Protein change: p.Glu23Gly; replaces glutamic acid 23 with glycine.
Molecular consequence: missense variant. On other transcripts: 5 prime UTR variant (1).
Genome position (GRCh38, 1-based): chr8:89,982,825, T>C on the plus strand (A>G on the coding strand, the complement: NBN is on the minus strand). VCF-style: chr8-89982825-T-C. GRCh37 (hg19) VCF-style: chr8-90995053-T-C.
Other names: c.-229A>G (NM_001024688.3); short protein forms E23G.
Identifiers: ClinVar variation 3298640 (VCV003298640.1).

ClinVar aggregate classification (germline): Uncertain significance (1 of 4 stars; one submission).

Conditions:
Hereditary cancer-predisposing syndrome. Also called: Tumor predisposition; Hereditary Cancer Syndrome; Hereditary neoplastic syndrome; Neoplastic Syndromes, Hereditary. Identifiers: Orphanet 140162, MedGen C0027672, MeSH D009386, MONDO:0015356.

Submission:

Ambry Genetics
Classification: Uncertain significance for Hereditary cancer-predisposing syndrome. Last evaluated: 2024-06-18. Review status: criteria provided, single submitter. Criteria: Ambry Variant Classification Scheme 2023. Collection method: clinical testing. Allele origin: germline.
Comment: The p.E23G variant (also known as c.68A>G), located in coding exon 2 of the NBN gene, results from an A to G substitution at nucleotide position 68. The glutamic acid at codon 23 is replaced by glycine, an amino acid with similar properties. This amino acid position is conserved. In addition, the in silico prediction for this alteration is inconclusive. Based on the available evidence, the clinical significance of this variant remains unclear.